The following is an entry in ClinVar:

NM_000492.4(CFTR):c.2951A>G (p.Asp984Gly)

Genes: CFTR (CF transmembrane conductance regulator; plus strand), CFTR-AS2 (CFTR antisense RNA 2; minus strand). Cytogenetic location: 7q31.2.
Variant type: single nucleotide variant.
Coding change: c.2951A>G on transcript NM_000492.4 (MANE Select); coding-DNA position 2951, A replaced by G.
Protein change: p.Asp984Gly; replaces aspartic acid 984 with glycine.
Molecular consequence: missense variant.
Genome position (GRCh38, 1-based): chr7:117,606,716, A>G. VCF-style: chr7-117606716-A-G. GRCh37 (hg19) VCF-style: chr7-117246770-A-G.
Other names: short protein forms D984G.
Identifiers: ClinVar variation 3231874 (VCV003231874.1), dbSNP rs1792306355, ClinGen allele CA368989108.

ClinVar aggregate classification (germline): Uncertain significance (1 of 4 stars; one submission).

Conditions:
Cystic fibrosis (CF). Also called: MUCOVISCIDOSIS. Identifiers: Orphanet 586, MedGen C0010674, MONDO:0009061, OMIM 219700. Disease mechanism: loss of function.

Allele frequency attached by ClinVar (database versions not stated): gnomAD 0.00001.

Submission:

Ambry Genetics
Classification: Uncertain significance for Cystic fibrosis. Last evaluated: 2024-03-12. Review status: criteria provided, single submitter. Criteria: Ambry Variant Classification Scheme 2023. Collection method: clinical testing. Allele origin: germline.
Comment: The p.D984G variant (also known as c.2951A>G), located in coding exon 18 of the CFTR gene, results from an A to G substitution at nucleotide position 2951. The aspartic acid at codon 984 is replaced by glycine, an amino acid with similar properties. This amino acid position is conserved. In addition, this alteration is predicted to be deleterious by in silico analysis. Based on the available evidence, the clinical significance of this alteration remains unclear.